The following is an entry in ClinVar:

NM_004006.3(DMD):c.2801C>T (p.Thr934Ile)

Gene: DMD (dystrophin; minus strand). Cytogenetic location: Xp21.1.
Variant type: single nucleotide variant.
Coding change: c.2801C>T on transcript NM_004006.3 (MANE Select); coding-DNA position 2801, C replaced by T.
Protein change: p.Thr934Ile; replaces threonine 934 with isoleucine.
Molecular consequence: missense variant.
Genome position (GRCh38, 1-based): chrX:32,484,921, G>A on the plus strand (C>T on the coding strand, the complement: DMD is on the minus strand). VCF-style: chrX-32484921-G-A. GRCh37 (hg19) VCF-style: chrX-32503038-G-A.
Other names: c.2777C>T, p.Thr926Ile (NM_000109.4); c.2789C>T, p.Thr930Ile (NM_004009.3); c.2432C>T, p.Thr811Ile (NM_004010.3); short protein forms T811I, T926I, T930I, T934I.
Identifiers: ClinVar variation 1382026 (VCV001382026.6), dbSNP rs2042264322, ClinGen allele CA412670635.

ClinVar aggregate classification (germline): Uncertain significance (1 of 4 stars; one submission).

Conditions:
Duchenne muscular dystrophy (DMD). Also called: MUSCULAR DYSTROPHY, PSEUDOHYPERTROPHIC PROGRESSIVE, DUCHENNE TYPE; Duchenne Muscular Dystrophy (DMD). Identifiers: Orphanet 98896, MedGen C0013264, MONDO:0010679, OMIM 310200.

Allele frequency attached by ClinVar (database versions not stated): gnomAD exomes below 0.00001.
gnomAD v4.1: 1 of 1,210,685 alleles (0.000083%); highest among the groups gnomAD compares: Non-Finnish European, 0.00011%; no homozygotes.

Submission:

Labcorp Genetics (formerly Invitae), Labcorp
Classification: Uncertain significance for Duchenne muscular dystrophy. Last evaluated: 2021-10-14. Review status: criteria provided, single submitter. Criteria: Invitae Variant Classification Sherloc (09022015). Collection method: clinical testing. Allele origin: germline.
Comment: Algorithms developed to predict the effect of missense changes on protein structure and function output the following: SIFT: "Tolerated"; PolyPhen-2: "Benign"; Align-GVGD: "Class C0". The isoleucine amino acid residue is found in multiple mammalian species, which suggests that this missense change does not adversely affect protein function. This sequence change replaces threonine with isoleucine at codon 934 of the DMD protein (p.Thr934Ile). The threonine residue is moderately conserved and there is a moderate physicochemical difference between threonine and isoleucine. This variant is not present in population databases (ExAC no frequency). This variant has not been reported in the literature in individuals affected with DMD-related conditions. In summary, the available evidence is currently insufficient to determine the role of this variant in disease. Therefore, it has been classified as a Variant of Uncertain Significance.